The following is an entry in ClinVar:

ClinVar aggregate classification (germline): Pathogenic/Likely pathogenic. Review status: criteria provided, multiple submitters, no conflicts (2 of 4 stars). 4 submissions from 4 submitters: Pathogenic (1); Likely pathogenic (3). Last evaluated 2026-08-06.
ClinVar aggregate classification (oncogenicity): Likely oncogenic (1 of 4 stars; one submission).

Conditions:
Familial cutaneous telangiectasia and oropharyngeal predisposition cancer syndrome. Identifiers: Orphanet 313846, MedGen C3281203, MONDO:0013806, OMIM 614564.
Seckel syndrome 1 (SCKL1). Also called: MICROCEPHALIC PRIMORDIAL DWARFISM I. Identifiers: Orphanet 808, MedGen C4551474, MONDO:0008869, OMIM 210600.
Neoplasm. Also called: tumor; Neoplasms; Neoplasm (disease). Identifiers: MedGen C0027651, MeSH D009369, MONDO:0005070, HP:0002664.

Submissions (5):

Center for Genomic Medicine, Rigshospitalet, Copenhagen University Hospital
Classification: Likely oncogenic for Neoplasm. Last evaluated: 2026-10-16. Review status: criteria provided, single submitter. Criteria: ClinGen/CGC/VICC Guidelines for Oncogenicity, 2022. Collection method: clinical testing. Allele origin: somatic. Affected: yes.

OLLIN Analises Genomicas, OLLIN
Classification: Likely pathogenic for Seckel syndrome 1. Last evaluated: 2026-08-06. Review status: criteria provided, single submitter. Criteria: ACMG Guidelines 2015 PMID 25741868. Collection method: clinical testing. Allele origin: germline. Inheritance: Autosomal recessive inheritance.
Comment: This frameshift variant, located in exon 10 (of 47), has been reported in ClinVar (accession VCV000938417.11) and in gnomAD with an allele frequency of 0.014%. However, to our knowledge, it has not been reported in the scientific literature. This variant causes a frameshift and introduces a premature stop codon, which is predicted to result in either a truncated protein or degradation of the mRNA via nonsense-mediated decay (NMD). According to the currently available evidence, this variant has been classified as likely pathogenic (PVS1, PM2_P).

Center for Genomic Medicine, Rigshospitalet, Copenhagen University Hospital
Classification: Likely pathogenic. Last evaluated: 2025-12-29. Review status: criteria provided, single submitter. Criteria: ACMG Guidelines, 2015. Collection method: clinical testing. Allele origin: germline.
Comment: Classification criteria: PVS1

Labcorp Genetics (formerly Invitae), Labcorp
Classification: Pathogenic. Last evaluated: 2025-01-29. Review status: criteria provided, single submitter. Criteria: Invitae Variant Classification Sherloc (09022015). Collection method: clinical testing. Allele origin: germline.
Comment: This sequence change creates a premature translational stop signal (p.Ile774Tyrfs*5) in the ATR gene. It is expected to result in an absent or disrupted protein product. Loss-of-function variants in ATR are known to be pathogenic (PMID: 21228398, 23144622). The frequency data for this variant in the population databases is considered unreliable, as metrics indicate poor data quality at this position in the gnomAD database. This variant has not been reported in the literature in individuals affected with ATR-related conditions. ClinVar contains an entry for this variant (Variation ID: 376356). For these reasons, this variant has been classified as Pathogenic.

Fulgent Genetics
Classification: Likely pathogenic for Seckel syndrome 1; Familial cutaneous telangiectasia and oropharyngeal predisposition cancer syndrome. Last evaluated: 2024-05-01. Review status: criteria provided, single submitter. Criteria: ACMG Guidelines, 2015. Collection method: clinical testing. Allele origin: germline.

Literature cited by the submitters: PubMed 36095024 (cited by Center for Genomic Medicine, Rigshospitalet, Copenhagen University Hospital); PubMed 38496821 (cited by Center for Genomic Medicine, Rigshospitalet, Copenhagen University Hospital); PubMed 21228398 (cited by Labcorp Genetics (formerly Invitae), Labcorp); PubMed 23144622 (cited by Labcorp Genetics (formerly Invitae), Labcorp).

NM_001184.4(ATR):c.2320del (p.Ile774fs)

Gene: ATR (ATR checkpoint kinase; minus strand). Cytogenetic location: 3q23.
Variant type: Deletion.
Coding change: c.2320del on transcript NM_001184.4 (MANE Select); coding-DNA position 2320, one base deleted (A; older notation c.2320delA).
Protein change: p.Ile774fs; shifts the reading frame from isoleucine 774.
Molecular consequence: frameshift variant.
Genome position (GRCh38, 1-based): chr3:142,555,898, T deleted on the plus strand (A on the coding strand, the reverse complement: ATR is on the minus strand); the first of 10 consecutive T bases (chr3:142,555,898-142,555,907); deleting any one gives the same sequence. VCF-style (leftmost placement, unchanged base first): chr3-142555897-AT-A. GRCh37 (hg19) VCF-style: chr3-142274739-AT-A.
Other names: c.2128del, p.Ile710fs (NM_001354579.2); c.2320delA (NM_001184.4); short protein forms I774fs, I710fs.
Identifiers: ClinVar variation 376356 (VCV000376356.12), dbSNP rs757500301, ClinGen allele CA2650393.